The following is an entry in ClinVar:

ClinVar aggregate classification (germline): Likely pathogenic (1 of 4 stars; one submission).

Conditions:
Granulomatous disease, chronic, X-linked. Also called: CYTOCHROME b-NEGATIVE GRANULOMATOUS DISEASE, CHRONIC, X-LINKED; GRANULOMATOUS DISEASE, CHRONIC, X-LINKED, SOMATIC MOSAIC. Identifiers: Orphanet 379, MedGen C1844376, MONDO:0010600, OMIM 306400.

Submission:

Labcorp Genetics (formerly Invitae), Labcorp
Classification: Likely pathogenic for Granulomatous disease, chronic, X-linked. Last evaluated: 2023-08-30. Review status: criteria provided, single submitter. Criteria: Invitae Variant Classification Sherloc (09022015). Collection method: clinical testing. Allele origin: germline.
Comment: In summary, the currently available evidence indicates that the variant is pathogenic, but additional data are needed to prove that conclusively. Therefore, this variant has been classified as Likely Pathogenic. Algorithms developed to predict the effect of sequence changes on RNA splicing suggest that this variant may disrupt the consensus splice site. ClinVar contains an entry for this variant (Variation ID: 841765). Disruption of this splice site has been observed in individual(s) with chronic granulomatous disease (PMID: 20729109, 33717137, 35729272). This variant is not present in population databases (gnomAD no frequency). This sequence change affects an acceptor splice site in intron 9 of the CYBB gene. It is expected to disrupt RNA splicing. Variants that disrupt the donor or acceptor splice site typically lead to a loss of protein function (PMID: 16199547), and loss-of-function variants in CYBB are known to be pathogenic (PMID: 9585602, 20729109).

Literature cited by the submitters: PubMed 20729109; PubMed 33717137; PubMed 35729272; PubMed 16199547; PubMed 9585602.

NM_000397.4(CYBB):c.1152-1G>A

Gene: CYBB (cytochrome b-245 beta chain; plus strand). Cytogenetic location: Xp11.4.
Variant type: single nucleotide variant.
Coding change: c.1152-1G>A on transcript NM_000397.4 (MANE Select); the canonical splice acceptor site of the intron before coding-DNA position 1152, G replaced by A.
Molecular consequence: splice acceptor variant.
Genome position (GRCh38, 1-based): chrX:37,805,005, G>A. VCF-style: chrX-37805005-G-A. GRCh37 (hg19) VCF-style: chrX-37664258-G-A.
Identifiers: ClinVar variation 841765 (VCV000841765.10), dbSNP rs1929527785, ClinGen allele CA412977605.